The following is an entry in ClinVar:

NM_000540.3(RYR1):c.8746A>T (p.Lys2916Ter)

Gene: RYR1 (ryanodine receptor 1; plus strand). Cytogenetic location: 19q13.2.
Variant type: single nucleotide variant.
Coding change: c.8746A>T on transcript NM_000540.3 (MANE Select); coding-DNA position 8746, A replaced by T.
Protein change: p.Lys2916Ter; replaces lysine 2916 with a stop codon.
Molecular consequence: nonsense.
Genome position (GRCh38, 1-based): chr19:38,506,882, A>T. VCF-style: chr19-38506882-A-T. GRCh37 (hg19) VCF-style: chr19-38997522-A-T.
Other names: c.8746A>T, p.Lys2916Ter (NM_001042723.2); short protein forms K2916*.
Identifiers: ClinVar variation 3018656 (VCV003018656.4), dbSNP rs1232312472, ClinGen allele CA405681018.

ClinVar aggregate classification (germline): Conflicting classifications of pathogenicity. Review status: criteria provided, conflicting classifications (1 of 4 stars). 2 submissions from 2 submitters: Pathogenic (1); Uncertain significance (1). Last evaluated 2024-08-13.

Conditions:
Malignant hyperthermia, susceptibility to, 1 (MHS1). Also called: Anesthesia related hyperthermia; Malignant hyperpyrexia; Fulminating hyperpyrexia; Pharmacogenic myopathy; RYR1-Related Malignant Hyperthermia Susceptibility; Malignant hyperthermia suceptibility 1. Identifiers: Orphanet 423, MedGen C2930980, MONDO:0007783, OMIM 145600.
RYR1-related disorder. Also called: RYR1-related disorders; RYR1-related condition. Identifiers: MedGen CN239331.

Allele frequency attached by ClinVar (database versions not stated): TOPMed below 0.00001.

Submissions (2):

All of Us Research Program, National Institutes of Health
Classification: Uncertain significance for Malignant hyperthermia, susceptibility to, 1. Last evaluated: 2024-08-13. Review status: criteria provided, single submitter. Criteria: ACMG Guidelines, 2015. Collection method: clinical testing. Allele origin: germline. Inheritance: Autosomal dominant inheritance. Observed: 1 variant allele, 1 heterozygote.
Comment: This variant changes 1 nucleotide in exon 57/106 of the RYR1 gene, creating a premature translation stop signal. This variant is expected to result in an absent or non-functional protein product. To our knowledge, this variant has not been reported in individuals affected with RYR1-related disorders in the literature. This variant has not been identified in the general population by the Genome Aggregation Database (gnomAD). Loss of RYR1 function due to truncation variants is not an established disease mechanism for autosomal dominant malignant hyperthermia, although it is associated with other phenotype(s) (ClinVar Variation ID: 3018656). Therefore, this variant is classified as a Variant of Uncertain Significance for autosomal dominant malignant hyperthermia.

This study involves interpretation of variants in research participants for the purpose of population health screening. Participant phenotype was not available at the time of variant classification. Additional details can be found in publication PMID: 35346344, PMCID: PMC8962531

Labcorp Genetics (formerly Invitae), Labcorp
Classification: Pathogenic for RYR1-related disorder. Last evaluated: 2023-04-26. Review status: criteria provided, single submitter. Criteria: Invitae Variant Classification Sherloc (09022015). Collection method: clinical testing. Allele origin: germline.
Comment: This variant has not been reported in the literature in individuals affected with RYR1-related conditions. This variant is not present in population databases (gnomAD no frequency). This sequence change creates a premature translational stop signal (p.Lys2916*) in the RYR1 gene. It is expected to result in an absent or disrupted protein product. Loss-of-function variants in RYR1 are known to be pathogenic (PMID: 23919265, 25960145, 28818389, 30611313). For these reasons, this variant has been classified as Pathogenic.

Literature cited by the submitters: PubMed 23919265 (cited by Labcorp Genetics (formerly Invitae), Labcorp); PubMed 25960145 (cited by Labcorp Genetics (formerly Invitae), Labcorp); PubMed 28818389 (cited by Labcorp Genetics (formerly Invitae), Labcorp); PubMed 30611313 (cited by Labcorp Genetics (formerly Invitae), Labcorp).